The following is an entry in ClinVar:

ClinVar aggregate classification (germline): Likely pathogenic (1 of 4 stars; one submission).

Conditions:
Primary ciliary dyskinesia. Also called: Ciliary dyskinesia. Identifiers: Orphanet 244, MedGen C0008780, MONDO:0016575, HP:0012265.

gnomAD v4.1: 3 of 1,613,214 alleles (0.00019%); highest among the groups gnomAD compares: Non-Finnish European, 0.00017%; no homozygotes.

Submission:

Labcorp Genetics (formerly Invitae), Labcorp
Classification: Likely pathogenic for Primary ciliary dyskinesia. Last evaluated: 2024-05-07. Review status: criteria provided, single submitter. Criteria: Invitae Variant Classification Sherloc (09022015). Collection method: clinical testing. Allele origin: germline.
Comment: This sequence change affects a donor splice site in intron 26 of the DNAH5 gene. It is expected to disrupt RNA splicing. Variants that disrupt the donor or acceptor splice site typically lead to a loss of protein function (PMID: 16199547), and loss-of-function variants in DNAH5 are known to be pathogenic (PMID: 11788826, 16627867). This variant is not present in population databases (gnomAD no frequency). This variant has not been reported in the literature in individuals affected with DNAH5-related conditions. Algorithms developed to predict the effect of sequence changes on RNA splicing suggest that this variant may disrupt the consensus splice site. In summary, the currently available evidence indicates that the variant is pathogenic, but additional data are needed to prove that conclusively. Therefore, this variant has been classified as Likely Pathogenic.

Literature cited by the submitters: PubMed 16199547; PubMed 11788826; PubMed 16627867.

NM_001369.3(DNAH5):c.4116+1G>A

Genes: DNAH5-AS1 (DNAH5 antisense RNA 1; plus strand), DNAH5 (dynein axonemal heavy chain 5; minus strand). Cytogenetic location: 5p15.2.
Variant type: single nucleotide variant.
Coding change: c.4116+1G>A on transcript NM_001369.3 (MANE Select); the canonical splice donor site of the intron after coding-DNA position 4116, G replaced by A.
Molecular consequence: splice donor variant.
Genome position (GRCh38, 1-based): chr5:13,866,219, C>T on the plus strand (G>A on the coding strand, the complement: DNAH5 is on the minus strand). VCF-style: chr5-13866219-C-T. GRCh37 (hg19) VCF-style: chr5-13866328-C-T.
Identifiers: ClinVar variation 3714466 (VCV003714466.2).
Genomic context (GRCh38, chr5:13,866,219, plus strand): 5'-GTGTGTTTAAAACACAACAAAGTTTCATTGTTTAGAAAGTCATAGAAACTAAAAAGATTA[C>T]CTGAAACATGATAAGCCTGTCACTGGCTTCCTGGGGCTTCAAGCCGCTAGCCATTGGACC-3'